The following is an entry in ClinVar:

NM_001080467.3(MYO5B):c.2935C>G (p.Leu979Val)

Gene: MYO5B (myosin VB; minus strand). Cytogenetic location: 18q21.1.
Variant type: single nucleotide variant.
Coding change: c.2935C>G on transcript NM_001080467.3 (MANE Select); coding-DNA position 2935, C replaced by G.
Protein change: p.Leu979Val; replaces leucine 979 with valine.
Molecular consequence: missense variant.
Genome position (GRCh38, 1-based): chr18:49,895,051, G>C on the plus strand (C>G on the coding strand, the complement: MYO5B is on the minus strand). VCF-style: chr18-49895051-G-C. GRCh37 (hg19) VCF-style: chr18-47421421-G-C.
Other names: short protein forms L979V.
Identifiers: ClinVar variation 1974340 (VCV001974340.5), dbSNP rs2511270956, ClinGen allele CA402429748.

ClinVar aggregate classification (germline): Uncertain significance (1 of 4 stars; one submission).

Allele frequency attached by ClinVar (database versions not stated): gnomAD exomes below 0.00001.
gnomAD v4.1: 3 of 1,614,108 alleles (0.00019%); highest among the groups gnomAD compares: African/African-American, 0.0027%; no homozygotes.

Submission:

Labcorp Genetics (formerly Invitae), Labcorp
Classification: Uncertain significance. Last evaluated: 2022-10-19. Review status: criteria provided, single submitter. Criteria: Invitae Variant Classification Sherloc (09022015). Collection method: clinical testing. Allele origin: germline.
Comment: In summary, the available evidence is currently insufficient to determine the role of this variant in disease. Therefore, it has been classified as a Variant of Uncertain Significance. Advanced modeling of protein sequence and biophysical properties (such as structural, functional, and spatial information, amino acid conservation, physicochemical variation, residue mobility, and thermodynamic stability) performed at Invitae indicates that this missense variant is not expected to disrupt MYO5B protein function. This variant is not present in population databases (gnomAD no frequency). This variant has not been reported in the literature in individuals affected with MYO5B-related conditions. This sequence change replaces leucine, which is neutral and non-polar, with valine, which is neutral and non-polar, at codon 979 of the MYO5B protein (p.Leu979Val).